The following is an entry in ClinVar:

NM_000143.4(FH):c.709C>T (p.Gln237Ter)

Gene: FH (fumarate hydratase; minus strand). Cytogenetic location: 1q43.
Variant type: single nucleotide variant.
Coding change: c.709C>T on transcript NM_000143.4 (MANE Select); coding-DNA position 709, C replaced by T.
Protein change: p.Gln237Ter; replaces glutamine 237 with a stop codon.
Molecular consequence: nonsense.
Genome position (GRCh38, 1-based): chr1:241,508,632, G>A on the plus strand (C>T on the coding strand, the complement: FH is on the minus strand). VCF-style: chr1-241508632-G-A. GRCh37 (hg19) VCF-style: chr1-241671932-G-A.
Other names: short protein forms Q237*.
Identifiers: ClinVar variation 4532886 (VCV004532886.1), dbSNP rs863223997.

ClinVar aggregate classification (germline): Likely pathogenic (1 of 4 stars; one submission).

Submission:

Quest Diagnostics Nichols Institute San Juan Capistrano
Classification: Likely pathogenic. Last evaluated: 2025-07-07. Review status: criteria provided, single submitter. Criteria: Quest Diagnostics criteria. Collection method: clinical testing. Allele origin: unknown.
Comment: The FH c.709C>T (p.Gln237*) variant is predicted to cause the premature termination of FH protein synthesis. This variant has not been reported in individuals with FH-related conditions in the published literature. This variant has not been reported in large, multi-ethnic general populations (Genome Aggregation Database). Based on the available information, this variant is classified as likely pathogenic.